The following is an entry in ClinVar:

NM_203446.3(SYNJ1):c.3689C>T (p.Thr1230Met)

Gene: SYNJ1 (synaptojanin 1; minus strand). Cytogenetic location: 21q22.11.
Variant type: single nucleotide variant.
Coding change: c.3689C>T on transcript NM_203446.3 (MANE Select); coding-DNA position 3689, C replaced by T.
Protein change: p.Thr1230Met; replaces threonine 1230 with methionine.
Molecular consequence: missense variant.
Genome position (GRCh38, 1-based): chr21:32,639,679, G>A on the plus strand (C>T on the coding strand, the complement: SYNJ1 is on the minus strand). VCF-style: chr21-32639679-G-A. GRCh37 (hg19) VCF-style: chr21-34011989-G-A.
Other names: c.3641C>T, p.Thr1214Met (NM_001160302.2); c.3548C>T, p.Thr1183Met (NM_001160306.2); c.3806C>T, p.Thr1269Met (NM_003895.4); short protein forms T1269M, T1183M, T1214M, T1230M.
Identifiers: ClinVar variation 478348 (VCV000478348.8), dbSNP rs752805765, ClinGen allele CA10003294.

ClinVar aggregate classification (germline): Uncertain significance (1 of 4 stars; one submission).

Conditions:
Developmental and epileptic encephalopathy, 53. Also called: Epileptic encephalopathy, early infantile, 53. Identifiers: MedGen C4479313, MONDO:0033362, OMIM 617389.
Early-onset Parkinson disease 20. Also called: PARKINSON DISEASE 20, AUTOSOMAL RECESSIVE EARLY-ONSET. Identifiers: Orphanet 391411, MedGen C3809824, MONDO:0014233, OMIM 615530.

Allele frequency attached by ClinVar (database versions not stated): gnomAD exomes 0.00001 and 0.00002; ExAC 0.00002; TOPMed 0.00002.

Submission:

Labcorp Genetics (formerly Invitae), Labcorp
Classification: Uncertain significance for Developmental and epileptic encephalopathy, 53; Early-onset Parkinson disease 20. Last evaluated: 2022-08-10. Review status: criteria provided, single submitter. Criteria: Invitae Variant Classification Sherloc (09022015). Collection method: clinical testing. Allele origin: germline.
Comment: This sequence change replaces threonine, which is neutral and polar, with methionine, which is neutral and non-polar, at codon 1269 of the SYNJ1 protein (p.Thr1269Met). This variant is present in population databases (rs752805765, gnomAD 0.03%). This variant has not been reported in the literature in individuals affected with SYNJ1-related conditions. ClinVar contains an entry for this variant (Variation ID: 478348). Algorithms developed to predict the effect of missense changes on protein structure and function (SIFT, PolyPhen-2, Align-GVGD) all suggest that this variant is likely to be tolerated. In summary, the available evidence is currently insufficient to determine the role of this variant in disease. Therefore, it has been classified as a Variant of Uncertain Significance.